The following is an entry in ClinVar:

ClinVar aggregate classification (germline): Uncertain significance (1 of 4 stars; one submission).

Conditions:
Hereditary cancer-predisposing syndrome. Also called: Neoplastic Syndromes, Hereditary; Tumor predisposition; Hereditary neoplastic syndrome; Hereditary Cancer Syndrome. Identifiers: Orphanet 140162, MedGen C0027672, MeSH D009386, MONDO:0015356.

gnomAD v4.1: 1 of 1,614,062 alleles (0.000062%); highest among the groups gnomAD compares: Non-Finnish European, 0.000085%; no homozygotes.

Submission:

Ambry Genetics
Classification: Uncertain significance for Hereditary cancer-predisposing syndrome. Last evaluated: 2026-07-06. Review status: criteria provided, single submitter. Criteria: Ambry Variant Classification Scheme 2023. Collection method: clinical testing. Allele origin: germline.
Comment: The p.L641I variant (also known as c.1921C>A), located in coding exon 13 of the KIT gene, results from a C to A substitution at nucleotide position 1921. The leucine at codon 641 is replaced by isoleucine, an amino acid with highly similar properties. This amino acid position is conserved. In addition, the in silico prediction for this alteration is inconclusive. Based on the available evidence, the clinical significance of this variant remains unclear.

NM_000222.3(KIT):c.1921C>A (p.Leu641Ile)

Gene: KIT (KIT proto-oncogene, receptor tyrosine kinase; plus strand). Cytogenetic location: 4q12.
Variant type: single nucleotide variant.
Coding change: c.1921C>A on transcript NM_000222.3 (MANE Select); coding-DNA position 1921, C replaced by A.
Protein change: p.Leu641Ile; replaces leucine 641 with isoleucine.
Molecular consequence: missense variant.
Genome position (GRCh38, 1-based): chr4:54,728,052, C>A. VCF-style: chr4-54728052-C-A. GRCh37 (hg19) VCF-style: chr4-55594218-C-A.
Other names: c.1909C>A, p.Leu637Ile (NM_001093772.2, NM_001385286.1); c.1924C>A, p.Leu642Ile (NM_001385284.1, NM_001385290.1); c.1921C>A, p.Leu641Ile (NM_001385285.1); c.1912C>A, p.Leu638Ile (NM_001385288.1, NM_001385292.1); short protein forms L638I, L642I, L637I, L641I.
Identifiers: ClinVar variation 5023302 (VCV005023302.1).